The following is an entry in ClinVar:

ClinVar aggregate classification (germline): Uncertain significance (1 of 4 stars; one submission).

Conditions:
Inborn genetic diseases. Identifiers: MedGen C0950123, MeSH D030342.

Submission:

Ambry Genetics
Classification: Uncertain significance for Inborn genetic diseases. Last evaluated: 2025-10-14. Review status: criteria provided, single submitter. Criteria: Ambry Variant Classification Scheme 2023. Collection method: clinical testing. Allele origin: germline.
Comment: The c.151+1_151+2dupGT intronic variant begins 1 nucleotide after exon 3 (coding exon 3) in the DDX3X gene. This variant consists of a duplication of 2 nucleotides at positions c.151+1 to c.151+2. This variant was not reported in population-based cohorts in the Genome Aggregation Database (gnomAD). These nucleotide positions are highly conserved in available vertebrate species. In silico splice site analysis predicts that this alteration will weaken the native splice donor site. Based on insufficient or conflicting evidence, the clinical significance of this alteration remains unclear.

NM_001356.5(DDX3X):c.151+1_151+2dup

Gene: DDX3X (DEAD-box helicase 3 X-linked; plus strand). Cytogenetic location: Xp11.4.
Variant type: Duplication.
Coding change: c.151+1_151+2dup on transcript NM_001356.5 (MANE Select); the canonical splice donor site of the intron after coding-DNA position 151, 2 bases duplicated (GT; older notation c.151+1_151+2dupGT).
Molecular consequence: splice donor variant. On other transcripts: intron variant (1).
Genome position (GRCh38, 1-based): chrX:41,339,084-41,339,085, GT duplicated. VCF-style (leftmost placement, unchanged base first): chrX-41339083-G-GGT. GRCh37 (hg19) VCF-style: chrX-41198336-G-GGT.
Other names: c.151+1_151+2dup (NM_001193416.3); c.103+1619_103+1620dup (NM_001193417.3); c.-408+1_-408+2dup (NM_001363819.1).
Identifiers: ClinVar variation 4617100 (VCV004617100.1).
Genomic context (GRCh38, chrX:41,339,083, plus strand): 5'-TATATTTTTTTAGAAGGGCGCTATATTCCTCCTCATTTAAGGAACCGAGAAGCTACTAAA[G>GGT]GTAGGTCCTCACAAGTAACTTCGTAGGTCTATTTTTTGCCTCCTTTAGAAGTTAGTAAAG-3'